The following is an entry in ClinVar:

NM_018026.4(PACS1):c.440T>G (p.Leu147Arg)

Gene: PACS1 (phosphofurin acidic cluster sorting protein 1; plus strand). Cytogenetic location: 11q13.2.
Variant type: single nucleotide variant.
Coding change: c.440T>G on transcript NM_018026.4 (MANE Select); coding-DNA position 440, T replaced by G.
Protein change: p.Leu147Arg; replaces leucine 147 with arginine.
Molecular consequence: missense variant.
Genome position (GRCh38, 1-based): chr11:66,193,569, T>G. VCF-style: chr11-66193569-T-G. GRCh37 (hg19) VCF-style: chr11-65961040-T-G.
Other names: short protein forms L147R.
Identifiers: ClinVar variation 2576082 (VCV002576082.1), dbSNP rs2495502388, ClinGen allele CA381508578.

ClinVar aggregate classification (germline): Uncertain significance (1 of 4 stars; one submission).

Submission:

Institute for Clinical Genetics, University Hospital TU Dresden, University Hospital TU Dresden
Classification: Uncertain significance. Last evaluated: 2023-01-25. Review status: criteria provided, single submitter. Criteria: ACMG Guidelines, 2015. Collection method: clinical testing. Allele origin: maternal.
Comment: PM2_SUP, PP2